The following is an entry in ClinVar:

ClinVar aggregate classification (germline): Uncertain significance (1 of 4 stars; one submission).

Allele frequency attached by ClinVar (database versions not stated): ExAC 0.00002; gnomAD exomes 0.00002 and 0.00006; TOPMed 0.00002; gnomAD 0.00003; ESP Exome Variant Server 0.00008.
gnomAD v4.1: 86 of 1,614,108 alleles (0.0053%); highest among the groups gnomAD compares: Non-Finnish European, 0.0071%; no homozygotes.

Submission:

Labcorp Genetics (formerly Invitae), Labcorp
Classification: Uncertain significance. Last evaluated: 2022-10-13. Review status: criteria provided, single submitter. Criteria: Invitae Variant Classification Sherloc (09022015). Collection method: clinical testing. Allele origin: germline.
Comment: This sequence change replaces threonine, which is neutral and polar, with isoleucine, which is neutral and non-polar, at codon 1085 of the SZT2 protein (p.Thr1085Ile). This variant is present in population databases (rs142293764, gnomAD 0.004%). This variant has not been reported in the literature in individuals affected with SZT2-related conditions. ClinVar contains an entry for this variant (Variation ID: 838862). Advanced modeling of protein sequence and biophysical properties (such as structural, functional, and spatial information, amino acid conservation, physicochemical variation, residue mobility, and thermodynamic stability) performed at Invitae indicates that this missense variant is not expected to disrupt SZT2 protein function. In summary, the available evidence is currently insufficient to determine the role of this variant in disease. Therefore, it has been classified as a Variant of Uncertain Significance.

NM_001365999.1(SZT2):c.3425C>T (p.Thr1142Ile)

Gene: SZT2 (SZT2 subunit of KICSTOR complex; plus strand). Cytogenetic location: 1p34.2.
Variant type: single nucleotide variant.
Coding change: c.3425C>T on transcript NM_001365999.1 (MANE Select); coding-DNA position 3425, C replaced by T.
Protein change: p.Thr1142Ile; replaces threonine 1142 with isoleucine.
Molecular consequence: missense variant.
Genome position (GRCh38, 1-based): chr1:43,427,171, C>T. VCF-style: chr1-43427171-C-T. GRCh37 (hg19) VCF-style: chr1-43892842-C-T.
Other names: c.3254C>T, p.Thr1085Ile (NM_015284.4); short protein forms T1085I, T1142I.
Identifiers: ClinVar variation 838862 (VCV000838862.5), dbSNP rs142293764, ClinGen allele CA808972.